The following is an entry in ClinVar:

ClinVar aggregate classification (germline): Uncertain significance. Review status: criteria provided, multiple submitters, no conflicts (2 of 4 stars). 2 submissions from 2 submitters: Uncertain significance (2). Last evaluated 2023-07-26.

Allele frequency attached by ClinVar (database versions not stated): gnomAD exomes below 0.00001; ExAC 0.00001.
gnomAD v4.1: 2 of 1,614,180 alleles (0.00012%); highest among the groups gnomAD compares: Admixed American, 0.0033%; no homozygotes.

Submissions (2):

Mayo Clinic Laboratories, Mayo Clinic
Classification: Uncertain significance. Last evaluated: 2023-07-26. Review status: criteria provided, single submitter. Criteria: ACMG Guidelines, 2015. Collection method: clinical testing. Allele origin: germline. Observed: 1 variant allele.
Comment: PP2, PM2_moderate, PS3_moderate

Labcorp Genetics (formerly Invitae), Labcorp
Classification: Uncertain significance. Last evaluated: 2022-04-23. Review status: criteria provided, single submitter. Criteria: Invitae Variant Classification Sherloc (09022015). Collection method: clinical testing. Allele origin: germline.
Comment: This sequence change replaces lysine, which is basic and polar, with threonine, which is neutral and polar, at codon 1556 of the CAD protein (p.Lys1556Thr). This variant is present in population databases (rs767823365, gnomAD 0.003%). This variant has not been reported in the literature in individuals affected with CAD-related conditions. Algorithms developed to predict the effect of missense changes on protein structure and function are either unavailable or do not agree on the potential impact of this missense change (SIFT: "Tolerated"; PolyPhen-2: "Possibly Damaging"; Align-GVGD: "Class C0"). In summary, the available evidence is currently insufficient to determine the role of this variant in disease. Therefore, it has been classified as a Variant of Uncertain Significance.

Literature cited by the submitters: PubMed 32461667 (cited by Mayo Clinic Laboratories, Mayo Clinic).

NM_004341.5(CAD):c.4667A>C (p.Lys1556Thr)

Gene: CAD (carbamoyl-phosphate synthetase 2, aspartate transcarbamylase, and dihydroorotase; plus strand). Cytogenetic location: 2p23.3.
Variant type: single nucleotide variant.
Coding change: c.4667A>C on transcript NM_004341.5 (MANE Select); coding-DNA position 4667, A replaced by C.
Protein change: p.Lys1556Thr; replaces lysine 1556 with threonine.
Molecular consequence: missense variant.
Genome position (GRCh38, 1-based): chr2:27,237,821, A>C. VCF-style: chr2-27237821-A-C. GRCh37 (hg19) VCF-style: chr2-27460689-A-C.
Other names: p.Lys1556Thr; c.4478A>C, p.Lys1493Thr (NM_001306079.2); short protein forms K1556T, K1493T.
Identifiers: ClinVar variation 1947700 (VCV001947700.3), dbSNP rs767823365, ClinGen allele CA1573604.